The following is an entry in ClinVar:

NM_004006.3(DMD):c.214C>T (p.His72Tyr)

Gene: DMD (dystrophin; minus strand). Cytogenetic location: Xp21.1.
Variant type: single nucleotide variant.
Coding change: c.214C>T on transcript NM_004006.3 (MANE Select); coding-DNA position 214, C replaced by T.
Protein change: p.His72Tyr; replaces histidine 72 with tyrosine.
Molecular consequence: missense variant. On other transcripts: 5 prime UTR variant (1).
Genome position (GRCh38, 1-based): chrX:32,844,833, G>A on the plus strand (C>T on the coding strand, the complement: DMD is on the minus strand). VCF-style: chrX-32844833-G-A. GRCh37 (hg19) VCF-style: chrX-32862950-G-A.
Other names: c.190C>T, p.His64Tyr (NM_000109.4); c.202C>T, p.His68Tyr (NM_004009.3); c.-156C>T (NM_004010.3); short protein forms H64Y, H68Y, H72Y.
Identifiers: ClinVar variation 4706216 (VCV004706216.1).

ClinVar aggregate classification (germline): Uncertain significance (1 of 4 stars; one submission).

Conditions:
Duchenne muscular dystrophy (DMD). Also called: MUSCULAR DYSTROPHY, PSEUDOHYPERTROPHIC PROGRESSIVE, DUCHENNE TYPE; Duchenne Muscular Dystrophy (DMD). Identifiers: Orphanet 98896, MedGen C0013264, MONDO:0010679, OMIM 310200.

Submission:

Labcorp Genetics (formerly Invitae), Labcorp
Classification: Uncertain significance for Duchenne muscular dystrophy. Last evaluated: 2025-12-03. Review status: criteria provided, single submitter. Criteria: Invitae Variant Classification Sherloc (09022015). Collection method: clinical testing. Allele origin: germline.
Comment: This sequence change replaces histidine, which is basic and polar, with tyrosine, which is neutral and polar, at codon 72 of the DMD protein (p.His72Tyr). This variant is not present in population databases (gnomAD no frequency). This missense change has been observed in individual(s) with clinical features of DMD-related conditions (PMID: 37716855). Invitae Evidence Modeling of protein sequence and biophysical properties (such as structural, functional, and spatial information, amino acid conservation, physicochemical variation, residue mobility, and thermodynamic stability) has been performed for this missense variant. However, the output from this modeling did not meet the statistical confidence thresholds required to predict the impact of this variant on DMD protein function. In summary, the available evidence is currently insufficient to determine the role of this variant in disease. Therefore, it has been classified as a Variant of Uncertain Significance.

Literature cited by the submitters: PubMed 37716855.